The following is an entry in ClinVar:

ClinVar aggregate classification (germline): Pathogenic/Likely pathogenic. Review status: criteria provided, multiple submitters, no conflicts (2 of 4 stars). 17 submissions from 17 submitters: Pathogenic (2); Likely pathogenic (11). 4 of the submissions do not count toward it. Last evaluated 2026-02-26.

Conditions:
BRCA2-related cancer predisposition. Identifiers: MedGen CN377758, MONDO:0700269.
Hereditary cancer-predisposing syndrome. Also called: Hereditary Cancer Syndrome; Tumor predisposition; Neoplastic Syndromes, Hereditary; Hereditary neoplastic syndrome. Identifiers: Orphanet 140162, MedGen C0027672, MeSH D009386, MONDO:0015356.
Hereditary breast ovarian cancer syndrome. Also called: Breast and ovarian cancer; BRCA1- and BRCA2-Associated Hereditary Breast and Ovarian Cancer; Hereditary breast and ovarian cancer; Hereditary breast and ovarian cancer syndrome (HBOC); Hereditary breast and ovarian cancer syndrome; Hereditary breast and/or ovarian cancer syndrome. Identifiers: Orphanet 145, MedGen C0677776, MeSH D061325, MONDO:0003582. Disease mechanism: loss of function.
Breast-ovarian cancer, familial, susceptibility to, 2 (BROVCA2). Also called: BRCA2 Hereditary Breast and Ovarian Cancer. Identifiers: Orphanet 145, MedGen C2675520, MONDO:0012933, OMIM 612555. Disease mechanism: loss of function.
Familial cancer of breast. Also called: BREAST CANCER, FAMILIAL; hereditary breast carcinoma; Hereditary breast cancer. Identifiers: Orphanet 227535, MedGen C0346153, MONDO:0016419, OMIM 114480. Disease mechanism: loss of function.

Allele frequency attached by ClinVar (database versions not stated): ESP Exome Variant Server 0.00008; gnomAD exomes below 0.00001; TOPMed below 0.00001; gnomAD 0.00001.
gnomAD v4.1: 5 of 1,614,094 alleles (0.00031%); highest among the groups gnomAD compares: South Asian, 0.0011%; no homozygotes.

Submissions 1 to 6 of 17:

Clinical Genomics Laboratory, Washington University in St. Louis
Classification: Likely pathogenic for Breast-ovarian cancer, familial, susceptibility to, 2. Last evaluated: 2026-02-26. Review status: criteria provided, single submitter. Criteria: ACMG Guidelines, 2015. Collection method: clinical testing. Allele origin: germline. Affected: yes.
Comment: The BRCA2 c.8177A>G (p.Tyr2726Cys) variant has been reported in several individuals with a personal or family history of breast, ovarian, and pancreatic cancer, including one individual with plasma cell leukemia (Couch FJ et al., PMID: 25452441; Hakkarainen M et al., PMID: 36467798; Heramb C et al., PMID: 29339979; Jarhelle E et al., PMID: 27495310; Lilyquist J et al., PMID: 28888541; Nurmi AK et al., PMID: 36551643; Richardson ME et al., PMID: 33609447; Wokołorczyk D et al., PMID: 32875559). This variant has been reported in the ClinVar database as a germline pathogenic variant by two submitters, as a likely pathogenic variant by 11 submitters, and as a variant of uncertain significance by three submitters. This variant is absent from the general population (gnomAD v.2.1.1), indicating it is not a common variant. Computational predictors indicate that the variant is damaging, evidence that correlates with impact to BRCA2 function. Functional studies validated by gene-specific guidelines show that this variant decreases homology-directed DNA break repair activity and is unable to rescue cell lethality in a null cell line, indicating that this variant impacts protein function (Biswas K et al., PMID: 33293522; Hu C et al., PMID: 35736817; Richardson ME et al., PMID: 33609447). Based on the available information and the ENIGMA BRCA1 and BRCA2 Expert Panel specifications for BRCA2 variant classification (Parsons MT et al., PMID: 39142283), this variant is classified as likely pathogenic.

GeneDx
Classification: Likely pathogenic. Last evaluated: 2026-01-09. Review status: criteria provided, single submitter. Criteria: GeneDx Variant Classification Process June 2021. Collection method: clinical testing. Allele origin: germline. Affected: yes.
Comment: Observed in individuals with a personal or family history of breast, ovarian, pancreatic, or other cancers (PMID: 25452441, 27495310, 29338080, 38843470); Published functional studies demonstrate a damaging effect: decreased homology-directed DNA break repair activity and inability to rescue cell lethality in a null cell line (PMID: 23108138, 29884841, 33293522, 39779857, 39779848); In silico analysis supports that this missense variant has a deleterious effect on protein structure/function; Not observed at significant frequency in large population cohorts (gnomAD); Also known as 8405A>G; This variant is associated with the following publications: (PMID: 24323938, 28888541, 19043619, 25452441, 27495310, 29339979, 29338080, 32042831, 31853058, 29884841, 32875559, 33293522, 35665744, 33609447, 36922933, 36467798, 33471991, 36551643, 39779857, 39779848, 38843470, 12228710, 23108138, 35736817, 29394989)

Color Diagnostics, LLC DBA Color Health
Classification: Likely pathogenic for Hereditary cancer-predisposing syndrome. Last evaluated: 2025-07-18. Review status: criteria provided, single submitter. Criteria: ACMG Guidelines, 2015. Collection method: clinical testing. Allele origin: germline.
Comment: This missense variant replaces tyrosine with cysteine at codon 2726 of the BRCA2 protein. Computational prediction suggests that this variant may have deleterious impact on protein structure and function. Functional studies have reported that this variant impact BRCA2 function in homology-mediated repair assay (PMID: 23108138, 29394989, 33609447, 35736817) and stable expression in and rescue of Brca2-deficient mouse embryonic stem cells (PMID: 33293522). This variant has been reported in individuals affected with breast cancer (PMID: 25452441, 33471991Leiden Open Variation Database DB-ID BRCA2_000294, 36551643) and in suspected hereditary breast and ovarian cancer families (PMID: 27495310, 29339979) and an individual affected with prostate cancer (PMID: 33293522). This variant has not been identified in the general population by the Genome Aggregation Database (gnomAD). Based on the available evidence, this variant is classified as Likely Pathogenic.

Molecular Diagnostics Laboratory, Catalan Institute of Oncology
Classification: Likely pathogenic for Hereditary cancer-predisposing syndrome. Last evaluated: 2025-07-08. Review status: criteria provided, single submitter. Criteria: ClinGen BRCA1BRCA2 ACMG Specifications BRCA2 V1.0.0. Collection method: clinical testing. Allele origin: germline.
Comment: PS3, PM2_Supporting, PP3 c.8177A>G, located in exon 18 of the BRCA2 gene, is predicted to result in the substitution of tyrosine with cysteine at codon 2726, p.(Tyr2726Cys). It is not present in the population database gnomAD v2.1.1, non-cancer dataset (PM2_Supporting). Computational tools predict a deleterious effect of the variant on protein function (BayesDel-noAF score: 0.538) (PP3). Reported by calibrated studies to affect protein function similar to pathogenic control variants (PMID: 29394989, 29884841, 33293522, 33609447) (PS3).This variant has been reported in the ClinVar database (3x pathogenic, 8x likely pathogenic, 3x uncertain significance), it has not been classified in LOVD (2x NA), and has not yet been classified by the expert panel. Based on currently available information, the variant c.8177A>G should be considered a likely pathogenic variant according to ClinGen ENIGMA BRCA1 and BRCA2 Expert Panel Specifications to the ACMG/AMP Variant Interpretation Guidelines for BRCA2 Version 1.0.0.

Labcorp Genetics (formerly Invitae), Labcorp
Classification: Likely pathogenic for Hereditary breast ovarian cancer syndrome. Last evaluated: 2024-08-31. Review status: criteria provided, single submitter. Criteria: Invitae Variant Classification Sherloc (09022015). Collection method: clinical testing. Allele origin: germline.
Comment: This sequence change replaces tyrosine, which is neutral and polar, with cysteine, which is neutral and slightly polar, at codon 2726 of the BRCA2 protein (p.Tyr2726Cys). This variant is not present in population databases (gnomAD no frequency). This missense change has been observed in individual(s) with clinical features of hereditary breast, ovarian, prostate, and/or pancreatic cancer (PMID: 25452441, 27495310, 28888541, 29338080, 32875559, 36551643). It has also been observed to segregate with disease in related individuals. ClinVar contains an entry for this variant (Variation ID: 52520). Invitae Evidence Modeling incorporating data from in vitro experimental studies (PMID: 33609447) indicates that this missense variant is expected to disrupt BRCA2 function with a positive predictive value of 95%. Experimental studies have shown that this missense change affects BRCA2 function (PMID: 23108138, 29394989, 33293522, 35736817). In summary, the currently available evidence indicates that the variant is pathogenic, but additional data are needed to prove that conclusively. Therefore, this variant has been classified as Likely Pathogenic.

Quest Diagnostics Nichols Institute San Juan Capistrano
Classification: Likely pathogenic. Last evaluated: 2024-07-16. Review status: criteria provided, single submitter. Criteria: Quest Diagnostics criteria. Collection method: clinical testing. Allele origin: unknown.
Comment: The BRCA2 c.8177A>G (p.Tyr2726Cys) variant has been reported in the published literature in individuals/families affected with breast and/or ovarian cancer (PMIDs: 25452441 (2015), 27495310 (2016), 28888541 (2017), 29339979 (2018), 36551643 (2022), 33471991 (2021) and LOVD), prostate cancer (PMID: 32875559 (2020)), and multiple myeloma-plasma cell leukemia (PMID: 36467798 (2022)). Functional studies have demonstrated this variant to be non-functional due to deficient homology-directed repair (HDR) (PMIDs: 23108138 (2013), 29394989 (2018), 33293522 (2020), 33609447 (2021), 35736817 (2022)). The frequency of this variant in the general population, 0.0000066 (1/152226 chromosomes (Genome Aggregation Database)), is consistent with pathogenicity. Based on the available information, this variant is classified as likely pathogenic.

NM_000059.4(BRCA2):c.8177A>G (p.Tyr2726Cys)

Gene: BRCA2 (BRCA2 DNA repair associated; plus strand). Cytogenetic location: 13q13.1.
Variant type: single nucleotide variant.
Coding change: c.8177A>G on transcript NM_000059.4 (MANE Select); coding-DNA position 8177, A replaced by G.
Protein change: p.Tyr2726Cys; replaces tyrosine 2726 with cysteine.
Molecular consequence: missense variant.
Genome position (GRCh38, 1-based): chr13:32,363,379, A>G. VCF-style: chr13-32363379-A-G. GRCh37 (hg19) VCF-style: chr13-32937516-A-G.
Other names: p.Y2726C:TAT>TGT; 8405A>G; short protein forms Y2726C.
Identifiers: ClinVar variation 52520 (VCV000052520.60), dbSNP rs80359064, ClinGen allele CA025491.